The following is an entry in ClinVar:

ClinVar aggregate classification (germline): Likely pathogenic. Review status: criteria provided, multiple submitters, no conflicts (2 of 4 stars). 6 submissions from 6 submitters: Likely pathogenic (6). Last evaluated 2025-12-08.

Conditions:
6-Pyruvoyl-tetrahydrobiopterin synthase deficiency. Also called: 6-Pyruvoyltetrahydropterin Synthase Deficiency; HYPERPHENYLALANINEMIA, TETRAHYDROBIOPTERIN-DEFICIENT, DUE TO PTS DEFICIENCY; Hyperphenylalanemia, BH4-deficient, A; Hyperphenylalaninemia due to 6-pyruvoyl-tetrahydropterin synthase deficiency; BH4-deficient hyperphenylalaninemia A; PTS-Related Tetrahydrobiopterin Deficiency. Identifiers: Orphanet 13, Orphanet 238583, MedGen C0878676, MONDO:0009863, OMIM 261640.
PTS-related disorder. Also called: PTS-related condition.

Allele frequency attached by ClinVar (database versions not stated): ExAC 0.00002; gnomAD 0.00002; TOPMed 0.00002.
gnomAD v4.1: 80 of 1,613,450 alleles (0.005%); highest among the groups gnomAD compares: Non-Finnish European, 0.0066%; no homozygotes.

Submissions (6):

Labcorp Genetics (formerly Invitae), Labcorp
Classification: Likely pathogenic for 6-Pyruvoyl-tetrahydrobiopterin synthase deficiency. Last evaluated: 2025-12-08. Review status: criteria provided, single submitter. Criteria: Invitae Variant Classification Sherloc (09022015). Collection method: clinical testing. Allele origin: germline.
Comment: This sequence change replaces glutamic acid, which is acidic and polar, with glycine, which is neutral and non-polar, at codon 82 of the PTS protein (p.Glu82Gly). This variant is present in population databases (rs778932353, gnomAD 0.006%). This missense change has been observed in individuals with pyruvoyl-tetrahydropterin synthase deficiency (PMID: 32905092, 33234470; internal data). ClinVar contains an entry for this variant (Variation ID: 2416618). An algorithm developed to predict the effect of missense changes on protein structure and function (PolyPhen-2) suggests that this variant is likely to be tolerated. In summary, the currently available evidence indicates that the variant is pathogenic, but additional data are needed to prove that conclusively. Therefore, this variant has been classified as Likely Pathogenic.

Natera, Inc.
Classification: Likely pathogenic for 6-Pyruvoyl-tetrahydrobiopterin synthase deficiency. Last evaluated: 2025-08-18. Review status: criteria provided, single submitter. Criteria: Natera Variant Classification Schema (03/2026). Collection method: clinical testing. Allele origin: germline.
Comment: The c.245A>G variant in PTS is a missense variant predicted to cause substitution of glutamic acid to glycine at amino acid 82. This variant is rare in the general population with a frequency below the threshold expected for the associated phenotype(s). This variant has been observed in one or more individuals affected with the associated recessive disease, as either homozygous or compound heterozygous with a second variant (PMID: 32905092, 33234470, 35098520). Additionally, this variant has been observed to segregate in affected family members (PMID: 33234470). Given the available evidence, this variant is classified as Likely Pathogenic.

Women's Health and Genetics/Laboratory Corporation of America, LabCorp
Classification: Likely pathogenic for 6-Pyruvoyl-tetrahydrobiopterin synthase deficiency. Last evaluated: 2024-10-29. Review status: criteria provided, single submitter. Criteria: LabCorp Variant Classification Summary - May 2015. Collection method: clinical testing. Allele origin: germline.
Comment: Variant summary: PTS c.245A>G (p.Glu82Gly) results in a non-conservative amino acid change in the encoded protein sequence. Three of five in-silico tools predict a damaging effect of the variant on protein function. . Consensus agreement among computation tools predict no significant impact on normal splicing. However, these predictions have yet to be confirmed by functional studies. The variant allele was found at a frequency of 2.8e-05 in 251452 control chromosomes. The available data on variant occurrences in the general population are insufficient to allow any conclusion about variant significance. c.245A>G has been reported in the literature in both homozygous and compound heterozygous individuals affected with 6-Pyruvoyl-Tetrahydropterin Synthase Deficiency (e.g., Muniz_2019, Carducci_2020, Manzoni_2020). These data indicate that the variant is likely to be associated with disease. At least two publications report experimental evidence evaluating an impact on protein function, finding that the variant results in a 58% reduction in enzymatic activity in a homozygous patient (Carducci_2020), biopterin/neopterin levels were zero or near zero (0.01) in both homozygous and compound heterozygous patients, and BH4 was undetectable in CSF of compound heterozygous patients (e.g., Carducci_2020, Manzoni_2020). The following publications have been ascertained in the context of this evaluation (PMID: 32905092, 33234470, 30853107). One clinical diagnostic laboratory has submitted clinical-significance assessments for this variant to ClinVar after 2014 and classified the variant as likely pathogenic. Based on the evidence outlined above, the variant was classified as likely pathogenic.

Fulgent Genetics
Classification: Likely pathogenic for 6-Pyruvoyl-tetrahydrobiopterin synthase deficiency. Last evaluated: 2024-04-17. Review status: criteria provided, single submitter. Criteria: ACMG Guidelines, 2015. Collection method: clinical testing. Allele origin: germline.

PreventionGenetics, part of Exact Sciences
Classification: Likely pathogenic for PTS-related condition. Last evaluated: 2023-10-06. Review status: criteria provided, single submitter. Criteria: ACMG Guidelines, 2015. Collection method: clinical testing. Allele origin: germline.
Comment: The PTS c.245A>G variant is predicted to result in the amino acid substitution p.Glu82Gly. This variant has been reported in the homozygous state (Carducci et al. 2020. PubMed ID: 32905092) or heterozygous state with a second likely causative PTS variant (Manzoni et al. 2020. PubMed ID: 33234470) in individuals with 6-pyruvoyl-tetrahydropterin synthase deficiency. This variant is reported in 0.0062% of alleles in individuals of European (Non-Finnish) descent in gnomAD. Taken together, we interpret this variant as likely pathogenic.

Department of Pathology and Laboratory Medicine, Sinai Health System
Classification: Likely pathogenic for 6-Pyruvoyl-tetrahydrobiopterin synthase deficiency. Last evaluated: 2023-05-29. Review status: criteria provided, single submitter. Criteria: ACMG Guidelines, 2015. Collection method: research. Allele origin: germline.

Literature cited by the submitters: PubMed 32905092 (cited by 3 submitters); PubMed 33234470 (cited by 3 submitters); PubMed 35098520 (cited by Natera, Inc.); PubMed 30853107 (cited by Women's Health and Genetics/Laboratory Corporation of America, LabCorp).

NM_000317.3(PTS):c.245A>G (p.Glu82Gly)

Gene: PTS (6-pyruvoyltetrahydropterin synthase; plus strand). Cytogenetic location: 11q23.1.
Variant type: single nucleotide variant.
Coding change: c.245A>G on transcript NM_000317.3 (MANE Select); coding-DNA position 245, A replaced by G.
Protein change: p.Glu82Gly; replaces glutamic acid 82 with glycine.
Molecular consequence: missense variant.
Genome position (GRCh38, 1-based): chr11:112,233,164, A>G. VCF-style: chr11-112233164-A-G. GRCh37 (hg19) VCF-style: chr11-112103887-A-G.
Other names: c.245A>G (NM_000317.2); short protein forms E82G.
Identifiers: ClinVar variation 2416618 (VCV002416618.16), dbSNP rs778932353, ClinGen allele CA6278554.
Genomic context (GRCh38, chr11:112,233,164, plus strand): 5'-AATTTGGAATTTGAGTCGTAAATGGAGTCAATGATATTTTCCCTTGGTTTTGTCTCTAGG[A>G]GGCGATTATGCAGCCCCTTGATCATAAGAATCTGGATATGGATGTGCCATACTTTGCAGA-3'
Protein context (NP_000308.1, residues 72-92): NLADLKKYME[Glu82Gly]AIMQPLDHKN